The following is an entry in ClinVar:

ClinVar aggregate classification (germline): Uncertain significance (1 of 4 stars; one submission).

Submission:

GeneDx
Classification: Uncertain significance. Last evaluated: 2022-01-06. Review status: criteria provided, single submitter. Criteria: GeneDx Variant Classification Process June 2021. Collection method: clinical testing. Allele origin: germline. Affected: yes.
Comment: Not observed at significant frequency in large population cohorts (gnomAD); Missense variants in this gene are often considered pathogenic (HGMD); In silico analysis supports that this missense variant has a deleterious effect on protein structure/function; Has not been previously published as pathogenic or benign to our knowledge; This variant is associated with the following publications: (PMID: 20829227)

NM_006086.4(TUBB3):c.578T>C (p.Val193Ala)

Gene: TUBB3 (tubulin beta 3 class III; plus strand). Cytogenetic location: 16q24.3.
Variant type: single nucleotide variant.
Coding change: c.578T>C on transcript NM_006086.4 (MANE Select); coding-DNA position 578, T replaced by C.
Protein change: p.Val193Ala; replaces valine 193 with alanine.
Molecular consequence: missense variant.
Genome position (GRCh38, 1-based): chr16:89,935,029, T>C. VCF-style: chr16-89935029-T-C. GRCh37 (hg19) VCF-style: chr16-90001437-T-C.
Other names: c.362T>C, p.Val121Ala (NM_001197181.2); short protein forms V121A, V193A.
Identifiers: ClinVar variation 1695440 (VCV001695440.2), dbSNP rs2151092822, ClinGen allele CA397474874.
Genomic context (GRCh38, chr16:89,935,029, plus strand): 5'-CCAAGGTGTCAGACACGGTGGTGGAGCCCTACAACGCCACGCTGTCCATCCACCAGCTGG[T>C]GGAGAACACGGATGAGACCTACTGCATCGACAACGAGGCGCTCTACGACATCTGCTTCCG-3'
Protein context (NP_006077.2, residues 183-203): YNATLSIHQL[Val193Ala]ENTDETYCID